The following is an entry in ClinVar:

ClinVar aggregate classification (germline): Pathogenic. Review status: criteria provided, multiple submitters, no conflicts (2 of 4 stars). 12 submissions from 11 submitters: Pathogenic (8). 4 of the submissions do not count toward it. Last evaluated 2026-06-09.

Conditions:
GRN-related disorder. Also called: GRN-related disorders; GRN-related condition.
Neuronal ceroid lipofuscinosis 11. Also called: GRN-Related Neuronal Ceroid-Lipofuscinosis. Identifiers: Orphanet 314629, Orphanet 79262, MedGen C3539123, MONDO:0013866, OMIM 614706.
GRN-related frontotemporal lobar degeneration with Tdp43 inclusions (FTD2). Also called: DEMENTIA, HEREDITARY DYSPHASIC DISINHIBITION; GRN Frontotemporal Dementia; FRONTOTEMPORAL DEMENTIA WITH TDP43 INCLUSIONS, GRN-RELATED; FRONTOTEMPORAL LOBAR DEGENERATION WITH UBIQUITIN-POSITIVE INCLUSIONS; FTLD-TDP, GRN-RELATED. Identifiers: Orphanet 100070, Orphanet 282, MedGen C1843792, MONDO:0011842, OMIM 607485. Disease mechanism: loss of function.

Allele frequency attached by ClinVar (database versions not stated): gnomAD exomes 0.00001; TOPMed 0.00002.
gnomAD v4.1: 21 of 1,614,006 alleles (0.0013%); highest among the groups gnomAD compares: Non-Finnish European, 0.0015%; no homozygotes.

Submissions (12):

PreventionGenetics, part of Exact Sciences
Classification: Pathogenic for GRN-related condition. Last evaluated: 2026-06-09. Review status: criteria provided, single submitter. Criteria: ACMG Guidelines, 2015. Collection method: clinical testing. Allele origin: germline.
Comment: The GRN c.1477C>T variant is predicted to result in premature protein termination (p.Arg493*). This variant has been reported to be pathogenic for frontotemporal lobar degeneration (Gass et al. 2006. PubMed ID: 16950801; Rademakers et al. 2007. PubMed ID: 17826340; Huey et al. 2006. PubMed ID: 16983677). This variant is reported in 0.0062% of alleles in individuals of African descent in gnomAD. Nonsense variants in GRN are expected to be pathogenic and this variant has been consistently classified as pathogenic in ClinVar (Variation ID: 16014). This variant is interpreted as pathogenic.

Variantyx, Inc.
Classification: Pathogenic for GRN-related frontotemporal lobar degeneration with Tdp43 inclusions. Last evaluated: 2025-11-10. Review status: criteria provided, single submitter. Criteria: Variantyx Assertion Criteria 2022. Collection method: clinical testing. Allele origin: germline. Inheritance: Autosomal dominant inheritance. Affected: yes.
Comment: This is a nonsense variant in the GRN gene (OMIM: 138945). Pathogenic variants in this gene have been associated with autosomal dominant frontotemporal dementia 2. This variant introduces a premature termination codon in exon 12 out of 13 and is expected to result in loss of function, which is a known disease mechanism for GRN in this disorder (PMID: 16950801) (PVS1). This variant has been reported in at least 8 unrelated affected individuals (PMID: 16950801) (PS4_Moderate). It has a 0.0016% maximum allele frequency in non-founder control populations (PM2). Based on the current evidence, this variant is classified as pathogenic for autosomal dominant frontotemporal dementia 2.

Labcorp Genetics (formerly Invitae), Labcorp
Classification: Pathogenic for Neuronal ceroid lipofuscinosis 11; GRN-related frontotemporal lobar degeneration with Tdp43 inclusions. Last evaluated: 2025-05-01. Review status: criteria provided, single submitter. Criteria: Invitae Variant Classification Sherloc (09022015). Collection method: clinical testing. Allele origin: germline.
Comment: This sequence change creates a premature translational stop signal (p.Arg493*) in the GRN gene. It is expected to result in an absent or disrupted protein product. Loss-of-function variants in GRN are known to be pathogenic (PMID: 16862116, 16950801, 22608501). This variant is present in population databases (rs63751294, gnomAD 0.005%). This premature translational stop signal has been observed in individuals with frontotemporal dementia and primary progressive aphasia (PMID: 16950801, 26791154, 30279455). It has also been observed to segregate with disease in related individuals. ClinVar contains an entry for this variant (Variation ID: 16014). For these reasons, this variant has been classified as Pathogenic.

Athena Diagnostics
Classification: Pathogenic. Last evaluated: 2025-03-27. Review status: criteria provided, single submitter. Criteria: Athena Diagnostics Criteria. Collection method: clinical testing. Allele origin: unknown.
Comment: This variant is expected to result in the loss of a functional protein. The frequency of this variant in the general population is consistent with pathogenicity. This variant has been identified in multiple unrelated individuals with frontotemporal lobar degeneration.

Blueprint Genetics
Classification: Pathogenic for GRN-related disorders. Last evaluated: 2024-07-10. Review status: criteria provided, single submitter. Criteria: ACMG Guidelines, 2015. Collection method: clinical testing. Allele origin: germline. Affected: yes. Observed: 4 variant alleles.

AiLife Diagnostics
Classification: Pathogenic. Last evaluated: 2022-03-21. Review status: criteria provided, single submitter. Criteria: ACMG Guidelines, 2015. Collection method: clinical testing. Allele origin: germline. Affected: yes. Observed: 1 variant allele.

North West Genomic Laboratory Hub, Manchester University NHS Foundation Trust
Classification: Pathogenic for GRN-related frontotemporal lobar degeneration with Tdp43 inclusions. Last evaluated: 2021-08-31. Review status: criteria provided, single submitter. Criteria: ACMG Guidelines, 2015. Collection method: clinical testing. Allele origin: germline. Affected: yes.
Comment: Criteria Codes: PVS1 PS3 PS4_Mod PM2_Supp PP1

GeneDx
Classification: Pathogenic. Last evaluated: 2020-01-22. Review status: criteria provided, single submitter. Criteria: GeneDx Variant Classification Process June 2021. Collection method: clinical testing. Allele origin: germline. Affected: yes.
Comment: Nonsense variant predicted to result in protein truncation or nonsense mediated decay in a gene for which loss-of-function is a known mechanism of disease; One of the most common variants reported in the GRN gene in individuals with frontotemporal dementia (Gass et al., 2006; Huey et al., 2006; Rademakers et al., 2007); Published functional studies demonstrate a damaging effect (Fujita et al., 2018); This variant is associated with the following publications: (PMID: 16983677, 28473694, 21482928, 24703252, 22608501, 26791154, 27341800, 28304311, 29080331, 16950801, 17826340, 17522386, 28404863, 22312439, 18703462, 17210807, 17071927, 17345602, 29382817, 30279455, 31031559, 29511098, 29724592, 29146050, 30696728, 31361008, 31996268, 30924900, 33351065)

OMIM
Classification: Pathogenic for FRONTOTEMPORAL DEMENTIA 2. Last evaluated: 2011-04-01. Review status: no assertion criteria provided. Collection method: literature only. Allele origin: germline. Not counted in ClinVar's aggregate classification.

OMIM
Classification: Pathogenic for CEROID LIPOFUSCINOSIS, NEURONAL, 11. Last evaluated: 2011-04-01. Review status: no assertion criteria provided. Collection method: literature only. Allele origin: germline. Not counted in ClinVar's aggregate classification.

GeneReviews
No classification provided. Condition: GRN-related frontotemporal lobar degeneration with Tdp43 inclusions. Review status: no classification provided. Collection method: literature only. Allele origin: germline. Not counted in ClinVar's aggregate classification.

VIB  Department of Molecular Genetics, University of Antwerp
No classification provided. Review status: no classification provided. Collection method: not provided. Allele origin: unknown. Not counted in ClinVar's aggregate classification.

Literature cited by the submitters: PubMed 16950801 (cited by 6 submitters); PubMed 16862116 (cited by Labcorp Genetics (formerly Invitae), Labcorp); PubMed 22608501 (cited by Labcorp Genetics (formerly Invitae), Labcorp); PubMed 26791154 (cited by Labcorp Genetics (formerly Invitae), Labcorp and AiLife Diagnostics); PubMed 30279455 (cited by Labcorp Genetics (formerly Invitae), Labcorp and AiLife Diagnostics); PubMed 28473694 (cited by Athena Diagnostics); PubMed 16983677 (cited by Athena Diagnostics and OMIM); PubMed 17071927 (cited by Athena Diagnostics and AiLife Diagnostics); PubMed 17210807 (cited by Athena Diagnostics and OMIM); PubMed 17522386 (cited by Athena Diagnostics and OMIM); PubMed 17698705 (cited by Athena Diagnostics); PubMed 17826340 (cited by 5 submitters); PubMed 17949857 (cited by Athena Diagnostics); PubMed 19766663 (cited by Athena Diagnostics); PubMed 20142524 (cited by Athena Diagnostics); PubMed 33351065 (cited by 3 submitters); PubMed 31996268 (cited by Athena Diagnostics and AiLife Diagnostics); PubMed 30924900 (cited by Athena Diagnostics and AiLife Diagnostics); PubMed 21482928 (cited by Athena Diagnostics and OMIM); PubMed 18192287 (cited by Athena Diagnostics); PubMed 34632303 (cited by Athena Diagnostics); PubMed 29511098 (cited by Athena Diagnostics); PubMed 22312439 (cited by AiLife Diagnostics and North West Genomic Laboratory Hub, Manchester University NHS Foundation Trust); PubMed 31361008 (cited by AiLife Diagnostics); PubMed 24703252 (cited by AiLife Diagnostics); PubMed 18703462 (cited by OMIM); PubMed 17228326 (cited by GeneReviews); PubMed 17345602 (cited by GeneReviews); PubMed 20301545 (cited by GeneReviews).

NM_002087.4(GRN):c.1477C>T (p.Arg493Ter)

Gene: GRN (granulin precursor; plus strand). Cytogenetic location: 17q21.31.
Variant type: single nucleotide variant.
Coding change: c.1477C>T on transcript NM_002087.4 (MANE Select); coding-DNA position 1477, C replaced by T.
Protein change: p.Arg493Ter; replaces arginine 493 with a stop codon.
Molecular consequence: nonsense.
Genome position (GRCh38, 1-based): chr17:44,352,404, C>T. VCF-style: chr17-44352404-C-T. GRCh37 (hg19) VCF-style: chr17-42429772-C-T.
Other names: GRN, ARG493TER (rs63751294); short protein forms R493*.
Identifiers: ClinVar variation 16014 (VCV000016014.22), dbSNP rs63751294, ClinGen allele CA225358.